The following is an entry in ClinVar:

NM_001378204.1(CCDC18):c.942C>T (p.Asn314=)

Gene: CCDC18 (coiled-coil domain containing 18; plus strand). Cytogenetic location: 1p22.1.
Variant type: single nucleotide variant.
Coding change: c.942C>T on transcript NM_001378204.1 (MANE Select); coding-DNA position 942, C replaced by T.
Protein change: p.Asn314=; no amino-acid change (asparagine 314 retained).
Molecular consequence: synonymous variant.
Genome position (GRCh38, 1-based): chr1:93,207,131, C>T. VCF-style: chr1-93207131-C-T. GRCh37 (hg19) VCF-style: chr1-93672688-C-T.
Other names: c.942C>T, p.Asn314= (NM_001306076.1, NM_206886.4).
Identifiers: ClinVar variation 3060341 (VCV003060341.2), dbSNP rs2783499, ClinGen allele CA953909.
Genomic context (GRCh38, chr1:93,207,131, plus strand): 5'-TATTTTATTTTCATTTTTATTCTCTTTTCTTCATAGGCAGTTAAAAGAAGAAAATAACAA[C>T]GGAAAAGAAAAATTAAGGATCATGGCAGTGAAAAATTCAGAAGTCATGGCACAACTAACT-3'
Protein context (NP_001365133.1, residues 304-324): KLRQLKEENN[Asn314=]GKEKLRIMAV

ClinVar aggregate classification (germline): Benign (0 of 4 stars; one submission).

Conditions:
CCDC18-related disorder. Also called: CCDC18-related condition.

Allele frequency attached by ClinVar (database versions not stated): ESP Exome Variant Server 0.16991; gnomAD exomes 0.17111; gnomAD 0.18695; TOPMed 0.19811; ExAC 0.21932; 1000 Genomes Project 30x 0.22829; 1000 Genomes Project 0.23223.
gnomAD v4.1: 259,764 of 1,502,798 alleles (17%); highest among the groups gnomAD compares: Admixed American, 32%; 24,982 homozygotes.

Submission:

PreventionGenetics, part of Exact Sciences
Classification: Benign for CCDC18-related condition. Last evaluated: 2019-10-21. Review status: no assertion criteria provided. Collection method: clinical testing. Allele origin: germline.
Comment: This variant is classified as benign based on ACMG/AMP sequence variant interpretation guidelines (Richards et al. 2015 PMID: 25741868, with internal and published modifications).